The following is an entry in ClinVar:

NM_003835.4(RGS9):c.1658T>C (p.Val553Ala)

Gene: RGS9 (regulator of G protein signaling 9; plus strand). Cytogenetic location: 17q24.1.
Variant type: single nucleotide variant.
Coding change: c.1658T>C on transcript NM_003835.4 (MANE Select); coding-DNA position 1658, T replaced by C.
Protein change: p.Val553Ala; replaces valine 553 with alanine.
Molecular consequence: missense variant.
Genome position (GRCh38, 1-based): chr17:65,225,252, T>C. VCF-style: chr17-65225252-T-C. GRCh37 (hg19) VCF-style: chr17-63221370-T-C.
Other names: c.1649T>C, p.Val550Ala (NM_001081955.3); short protein forms V553A, V550A.
Identifiers: ClinVar variation 194843 (VCV000194843.20), dbSNP rs201026246, ClinGen allele CA241030.

ClinVar aggregate classification (germline): Conflicting classifications of pathogenicity. Review status: criteria provided, conflicting classifications (1 of 4 stars). 6 submissions from 6 submitters: Uncertain significance (2); Likely benign (3). 1 of the submissions does not count toward it. Last evaluated 2025-12-22.

Conditions:
RGS9-related disorder. Also called: RGS9-related condition.
Inborn genetic diseases. Identifiers: MedGen C0950123, MeSH D030342.

Allele frequency attached by ClinVar (database versions not stated): gnomAD exomes 0.00007 and 0.00016; ExAC 0.00019; 1000 Genomes Project 30x 0.00031; 1000 Genomes Project 0.00040; gnomAD 0.00066 and 0.00072; TOPMed 0.00081; ESP Exome Variant Server 0.00106.
gnomAD v4.1: 208 of 1,609,514 alleles (0.013%); highest among the groups gnomAD compares: African/African-American, 0.25%; no homozygotes.

Submissions (6):

Labcorp Genetics (formerly Invitae), Labcorp
Classification: Likely benign. Last evaluated: 2025-12-22. Review status: criteria provided, single submitter. Criteria: Invitae Variant Classification Sherloc (09022015). Collection method: clinical testing. Allele origin: germline.

PreventionGenetics, part of Exact Sciences
Classification: Likely benign for RGS9-related condition. Last evaluated: 2025-12-15. Review status: criteria provided, single submitter. Criteria: ACMG Guidelines, 2015. Collection method: clinical testing. Allele origin: germline.
Comment: This variant is classified as likely benign based on ACMG/AMP sequence variant interpretation guidelines (Richards et al. 2015 PMID: 25741868, with internal and published modifications).

Blueprint Genetics
Classification: Likely benign. Last evaluated: 2024-09-18. Review status: criteria provided, single submitter. Criteria: ACMG Guidelines, 2015. Collection method: clinical testing. Allele origin: germline.

Ambry Genetics
Classification: Uncertain significance for Inborn genetic diseases. Last evaluated: 2024-01-08. Review status: criteria provided, single submitter. Criteria: Ambry Variant Classification Scheme 2023. Collection method: clinical testing. Allele origin: germline.

Eurofins Ntd Llc (ga)
Classification: Uncertain significance. Last evaluated: 2014-08-25. Review status: criteria provided, single submitter. Criteria: EGL Classification Definitions 2015. Collection method: clinical testing. Allele origin: germline. Observed: 1 variant allele, 1 heterozygote.

Department of Pathology and Laboratory Medicine, Sinai Health System
Classification: Uncertain significance. Review status: no assertion criteria provided. Collection method: clinical testing. Allele origin: unknown. Affected: yes. Study: The Canadian Open Genetics Repository (COGR). Not counted in ClinVar's aggregate classification.
Comment: The RGS9 p.Val553Ala variant was not identified in the literature nor was it identified in Cosmic or LOVD 3.0. The variant was identified in dbSNP (ID: rs201026246) and ClinVar (classified as a VUS by EGL Genetics). The variant was also identified in control databases in 66 of 277182 chromosomes at a frequency of 0.000238 (Genome Aggregation Database Feb 27, 2017). The variant was observed in the following populations: African in 59 of 24140 chromosomes (freq: 0.002444), Latino in 6 of 35356 chromosomes (freq: 0.00017) and Other in 1 of 7102 chromosomes (freq: 0.000141), while the variant was not observed in the Ashkenazi Jewish, East Asian, European (Finnish), European (non-Finnish) or South Asian populations. The variant occurs outside of the splicing consensus sequence and in silico or computational prediction software programs (SpliceSiteFinder, MaxEntScan, NNSPLICE, GeneSplicer) do not predict a difference in splicing. The p.Val553 residue is not conserved in mammals and computational analyses (PolyPhen-2, SIFT, AlignGVGD, BLOSUM, MutationTaster) do not suggest a high likelihood of impact to the protein; however, this information is not predictive enough to rule out pathogenicity. In summary, based on the above information the clinical significance of this variant cannot be determined with certainty at this time. This variant is classified as a variant of uncertain significance.